The following is an entry in ClinVar:

ClinVar aggregate classification (germline): Conflicting classifications of pathogenicity. Review status: criteria provided, conflicting classifications (1 of 4 stars). 11 submissions from 9 submitters: Uncertain significance (2); Benign (1); Likely benign (8). Last evaluated 2026-01-20.

Conditions:
Cardiovascular phenotype. Identifiers: MedGen CN230736.
Desmin-related myofibrillar myopathy (MFM1). Also called: Desminopathy; Desmin related myopathy (former name); Desmin storage myopathy (former name); MYOFIBRILLAR MYOPATHY WITH ARRHYTHMOGENIC RIGHT VENTRICULAR CARDIOMYOPATHY; DESMIN-RELATED MYOPATHY WITH ARRHYTHMOGENIC RIGHT VENTRICULAR CARDIOMYOPATHY; Myofibrillar myopathy 1. Identifiers: Orphanet 363543, Orphanet 98909, MedGen C1832370, MONDO:0011076, OMIM 601419.
Neurogenic scapuloperoneal syndrome, Kaeser type (SCPNK). Also called: KAESER SYNDROME. Identifiers: Orphanet 85146, MedGen C1867005, MONDO:0008407, OMIM 181400.
Dilated cardiomyopathy 1I (CMD1I). Identifiers: Orphanet 154, MedGen C1858154, MONDO:0011482, OMIM 604765.

Allele frequency attached by ClinVar (database versions not stated): TOPMed 0.00003; gnomAD exomes 0.00006; ESP Exome Variant Server 0.00008; gnomAD 0.00008 and 0.00009; ExAC 0.00009.

Submissions (11):

Labcorp Genetics (formerly Invitae), Labcorp
Classification: Likely benign for Desmin-related myofibrillar myopathy. Last evaluated: 2026-01-20. Review status: criteria provided, single submitter. Criteria: Invitae Variant Classification Sherloc (09022015). Collection method: clinical testing. Allele origin: germline.

Molecular Diagnostic Laboratory for Inherited Cardiovascular Disease, Montreal Heart Institute
Classification: Likely benign. Last evaluated: 2025-04-09. Review status: criteria provided, single submitter. Criteria: ACMG Guidelines, 2015. Collection method: clinical testing. Allele origin: germline. Affected: no.

CeGaT Center for Human Genetics Tuebingen
Classification: Likely benign. Last evaluated: 2024-04-01. Review status: criteria provided, single submitter. Criteria: CeGaT Center For Human Genetics Tuebingen Variant Classification Criteria Version 2. Collection method: clinical testing. Allele origin: germline. Affected: yes. Observed: 1 variant allele.
Comment: DES: BP4, BP7

Blueprint Genetics
Classification: Likely benign. Last evaluated: 2024-03-07. Review status: criteria provided, single submitter. Criteria: ACMG Guidelines, 2015. Collection method: clinical testing. Allele origin: germline.

Ambry Genetics
Classification: Likely benign for Cardiovascular phenotype. Last evaluated: 2019-05-10. Review status: criteria provided, single submitter. Criteria: Ambry Variant Classification Scheme 2023. Collection method: clinical testing. Allele origin: germline.

Eurofins Ntd Llc (ga)
Classification: Uncertain significance. Last evaluated: 2018-09-14. Review status: criteria provided, single submitter. Criteria: EGL ClinVar v180209 classification definitions. Collection method: clinical testing. Allele origin: germline. Observed: 7 variant alleles, 7 heterozygotes.

Illumina Laboratory Services, Illumina
Classification: Likely benign for Desmin-related myofibrillar myopathy. Last evaluated: 2018-01-13. Review status: criteria provided, single submitter. Criteria: ICSL Variant Classification Criteria 13 December 2019. Collection method: clinical testing. Allele origin: germline.
Comment: This variant was observed in the ICSL laboratory as part of a predisposition screen in an ostensibly healthy population. It had not been previously curated by ICSL or reported in the Human Gene Mutation Database (HGMD: prior to June 1st, 2018), and was therefore a candidate for classification through an automated scoring system. Utilizing variant allele frequency, disease prevalence and penetrance estimates, and inheritance mode, an automated score was calculated to assess if this variant is too frequent to cause the disease. Based on the score and internal cut-off values, a variant classified as likely benign is not then subjected to further curation. The score for this variant resulted in a classification of likely benign for this disease.

Illumina Laboratory Services, Illumina
Classification: Uncertain significance for Dilated cardiomyopathy 1I. Last evaluated: 2018-01-13. Review status: criteria provided, single submitter. Criteria: ICSL Variant Classification Criteria 13 December 2019. Collection method: clinical testing. Allele origin: germline.

Illumina Laboratory Services, Illumina
Classification: Likely benign for Neurogenic scapuloperoneal syndrome, Kaeser type. Last evaluated: 2018-01-13. Review status: criteria provided, single submitter. Criteria: ICSL Variant Classification Criteria 13 December 2019. Collection method: clinical testing. Allele origin: germline.
Comment: the same text as in the submission from Illumina Laboratory Services, Illumina above.

GeneDx
Classification: Benign. Last evaluated: 2015-03-03. Review status: criteria provided, single submitter. Criteria: GeneDx Variant Classification Process June 2021. Collection method: clinical testing. Allele origin: germline. Affected: yes.

Laboratory for Molecular Medicine, Mass General Brigham Personalized Medicine
Classification: Likely benign. Last evaluated: 2010-09-21. Review status: criteria provided, single submitter. Criteria: LMM Criteria. Collection method: clinical testing. Allele origin: germline. Observed: 1 variant allele.

NM_001927.4(DES):c.642C>T (p.Asp214=)

Gene: DES (desmin; plus strand). Cytogenetic location: 2q35.
Variant type: single nucleotide variant.
Coding change: c.642C>T on transcript NM_001927.4 (MANE Select); coding-DNA position 642, C replaced by T.
Protein change: p.Asp214=; no amino-acid change (aspartic acid 214 retained).
Molecular consequence: synonymous variant.
Genome position (GRCh38, 1-based): chr2:219,420,253, C>T. VCF-style: chr2-219420253-C-T. GRCh37 (hg19) VCF-style: chr2-220284975-C-T.
Identifiers: ClinVar variation 44266 (VCV000044266.50), dbSNP rs370239228, ClinGen allele CA133863.